The following is an entry in ClinVar:

NM_004415.4(DSP):c.5093A>G (p.Glu1698Gly)

Gene: DSP (desmoplakin; plus strand). Cytogenetic location: 6p24.3.
Variant type: single nucleotide variant.
Coding change: c.5093A>G on transcript NM_004415.4 (MANE Select); coding-DNA position 5093, A replaced by G.
Protein change: p.Glu1698Gly; replaces glutamic acid 1698 with glycine.
Molecular consequence: missense variant. On other transcripts: intron variant (2).
Genome position (GRCh38, 1-based): chr6:7,581,283, A>G. VCF-style: chr6-7581283-A-G. GRCh37 (hg19) VCF-style: chr6-7581516-A-G.
Other names: c.4050+1043A>G (NM_001319034.2); c.3583-1359A>G (NM_001008844.3); short protein forms E1698G.
Identifiers: ClinVar variation 3758407 (VCV003758407.2).
Genomic context (GRCh38, chr6:7,581,283, plus strand): 5'-CTCACTTGAGGAATGAGCATTTCCAGAAGGCGATAGAAGATAAAAGCAGAAGCTTAAATG[A>G]AAGCAAAATAGAAATTGAGAGGCTGCAGTCTCTCACAGAGAACCTGACCAAGGAGCACTT-3'
Protein context (NP_004406.2, residues 1688-1708): AIEDKSRSLN[Glu1698Gly]SKIEIERLQS

ClinVar aggregate classification (germline): Uncertain significance (1 of 4 stars; one submission).

Conditions:
Arrhythmogenic cardiomyopathy with wooly hair and keratoderma. Also called: PALMOPLANTAR KERATODERMA WITH LEFT VENTRICULAR CARDIOMYOPATHY AND WOOLLY HAIR; Carvajal syndrome; Dilated cardiomyopathy with woolly hair and keratoderma; Arrhythmogenic cardiomyopathy with woolly hair and keratoderma. Identifiers: Orphanet 65282, MedGen C1854063, MONDO:0011581, OMIM 605676.
Arrhythmogenic right ventricular dysplasia 8 (ARVD8). Also called: Arrhythmogenic Right Ventricular Dysplasia/Cardiomyopathy 8; ARRHYTHMOGENIC RIGHT VENTRICULAR DYSPLASIA, FAMILIAL, 8; ARRHYTHMOGENIC RIGHT VENTRICULAR CARDIOMYOPATHY 8. Identifiers: MedGen C1843896, MONDO:0011831, OMIM 607450.

Submission:

Labcorp Genetics (formerly Invitae), Labcorp
Classification: Uncertain significance for Arrhythmogenic cardiomyopathy with wooly hair and keratoderma; Arrhythmogenic right ventricular dysplasia 8. Last evaluated: 2024-09-09. Review status: criteria provided, single submitter. Criteria: Invitae Variant Classification Sherloc (09022015). Collection method: clinical testing. Allele origin: germline.
Comment: This sequence change replaces glutamic acid, which is acidic and polar, with glycine, which is neutral and non-polar, at codon 1698 of the DSP protein (p.Glu1698Gly). This variant is not present in population databases (gnomAD no frequency). This variant has not been reported in the literature in individuals affected with DSP-related conditions. An algorithm developed to predict the effect of missense changes on protein structure and function (PolyPhen-2) suggests that this variant is likely to be disruptive. In summary, the available evidence is currently insufficient to determine the role of this variant in disease. Therefore, it has been classified as a Variant of Uncertain Significance.